The following is an entry in ClinVar:

ClinVar aggregate classification (germline): Uncertain significance (1 of 4 stars; one submission).

Conditions:
Inborn genetic diseases. Identifiers: MedGen C0950123, MeSH D030342.

Submission:

Ambry Genetics
Classification: Uncertain significance for Inborn genetic diseases. Last evaluated: 2026-07-18. Review status: criteria provided, single submitter. Criteria: Ambry Variant Classification Scheme 2023. Collection method: clinical testing. Allele origin: germline.
Comment: The p.G911R variant (also known as c.2731G>C), located in coding exon 1 of the SAMD9L gene, results from a G to C substitution at nucleotide position 2731. The glycine at codon 911 is replaced by arginine, an amino acid with dissimilar properties. This amino acid position is conserved. In addition, this alteration is predicted to be tolerated by in silico analysis. Based on the available evidence, the clinical significance of this variant remains unclear.

NM_152703.5(SAMD9L):c.2731G>C (p.Gly911Arg)

Gene: SAMD9L (sterile alpha motif domain containing 9 like; minus strand). Cytogenetic location: 7q21.2.
Variant type: single nucleotide variant.
Coding change: c.2731G>C on transcript NM_152703.5 (MANE Select); coding-DNA position 2731, G replaced by C.
Protein change: p.Gly911Arg; replaces glycine 911 with arginine.
Molecular consequence: missense variant.
Genome position (GRCh38, 1-based): chr7:93,133,241, C>G on the plus strand (G>C on the coding strand, the complement: SAMD9L is on the minus strand). VCF-style: chr7-93133241-C-G. GRCh37 (hg19) VCF-style: chr7-92762554-C-G.
Other names: c.2731G>C, p.Gly911Arg (NM_001303496.3, NM_001303497.3, NM_001303498.3 and 5 more transcripts); short protein forms G911R.
Identifiers: ClinVar variation 5028900 (VCV005028900.1).